The following is an entry in ClinVar:

NM_003001.5(SDHC):c.169A>T (p.Thr57Ser)

Gene: SDHC (succinate dehydrogenase complex subunit C; plus strand). Cytogenetic location: 1q23.3.
Variant type: single nucleotide variant.
Coding change: c.169A>T on transcript NM_003001.5 (MANE Select); coding-DNA position 169, A replaced by T.
Protein change: p.Thr57Ser; replaces threonine 57 with serine.
Molecular consequence: missense variant. On other transcripts: intron variant (4), non-coding transcript variant (1).
Genome position (GRCh38, 1-based): chr1:161,328,487, A>T. VCF-style: chr1-161328487-A-T. GRCh37 (hg19) VCF-style: chr1-161298277-A-T.
Other names: c.77+4817A>T (NM_001278172.3, NM_001407118.1, NM_001035512.3); c.21-12107A>T (NM_001035513.3); c.169A>T, p.Thr57Ser (NM_001035511.3, NM_001407115.1); c.112A>T, p.Thr38Ser (NM_001407116.1, NM_001407117.1, NM_001407121.1); c.58A>T, p.Thr20Ser (NM_001407119.1, NM_001407120.1); short protein forms T20S, T38S, T57S.
Identifiers: ClinVar variation 3756935 (VCV003756935.2).
Genomic context (GRCh38, chr1:161,328,487, plus strand): 5'-GAGATGGAGCGGTTCTGGAATAAGAATATAGGTTCAAACCGTCCTCTGTCTCCCCACATT[A>T]CTATCTACAGGTAAGGAAGGATTCTGGAGCCAGAGAATCTAGAGGTAGTGGGTGAAAGTT-3'
Protein context (NP_002992.1, residues 47-67): GSNRPLSPHI[Thr57Ser]IYSWSLPMAM

ClinVar aggregate classification (germline): Uncertain significance (1 of 4 stars; one submission).

Conditions:
Gastrointestinal stromal tumor. Also called: Gastrointestinal stromal tumor, somatic; Gastrointestinal stroma tumor. Identifiers: Orphanet 44890, MedGen C0238198, MeSH D046152, MONDO:0011719, OMIM 606764, HP:0100723.
Pheochromocytoma/paraganglioma syndrome 3. Also called: GLOMUS TUMORS, FAMILIAL, 3; Paragangliomas 3; SDHC-Related Hereditary Paraganglioma-Pheochromocytoma Syndrome (Paragangliomas 3); SDHC-Related Hereditary Paraganglioma-Pheochromocytoma Syndrome. Identifiers: Orphanet 29072, MedGen C1854336, MONDO:0011544, OMIM 605373.

Submission:

Labcorp Genetics (formerly Invitae), Labcorp
Classification: Uncertain significance for Pheochromocytoma/paraganglioma syndrome 3; Gastrointestinal stromal tumor. Last evaluated: 2024-06-23. Review status: criteria provided, single submitter. Criteria: Invitae Variant Classification Sherloc (09022015). Collection method: clinical testing. Allele origin: germline.
Comment: This sequence change replaces threonine, which is neutral and polar, with serine, which is neutral and polar, at codon 57 of the SDHC protein (p.Thr57Ser). This variant is not present in population databases (gnomAD no frequency). This variant has not been reported in the literature in individuals affected with SDHC-related conditions. Advanced modeling of protein sequence and biophysical properties (such as structural, functional, and spatial information, amino acid conservation, physicochemical variation, residue mobility, and thermodynamic stability) performed at Invitae indicates that this missense variant is expected to disrupt SDHC protein function with a positive predictive value of 95%. In summary, the available evidence is currently insufficient to determine the role of this variant in disease. Therefore, it has been classified as a Variant of Uncertain Significance.